The following is an entry in ClinVar:

ClinVar aggregate classification (germline): Uncertain significance (1 of 4 stars; one submission).

Conditions:
Sulfite oxidase deficiency due to molybdenum cofactor deficiency type A. Also called: Molybdenum cofactor deficiency, complementation group A; Molybdenum Cofactor Deficiency A. Identifiers: Orphanet 308386, Orphanet 833, MedGen C1854988, MONDO:0009643, OMIM 252150.

Allele frequency attached by ClinVar (database versions not stated): TOPMed below 0.00001; ExAC 0.00001; gnomAD exomes 0.00001.
gnomAD v4.1: 3 of 1,614,188 alleles (0.00019%); highest among the groups gnomAD compares: Admixed American, 0.005%; no homozygotes.

Submission:

Labcorp Genetics (formerly Invitae), Labcorp
Classification: Uncertain significance for Sulfite oxidase deficiency due to molybdenum cofactor deficiency type A. Last evaluated: 2022-01-13. Review status: criteria provided, single submitter. Criteria: Invitae Variant Classification Sherloc (09022015). Collection method: clinical testing. Allele origin: germline.
Comment: This sequence change replaces proline, which is neutral and non-polar, with serine, which is neutral and polar, at codon 516 of the MOCS1 protein (p.Pro516Ser). This variant is present in population databases (rs777618260, gnomAD 0.006%). This variant has not been reported in the literature in individuals affected with MOCS1-related conditions. Algorithms developed to predict the effect of missense changes on protein structure and function are either unavailable or do not agree on the potential impact of this missense change (SIFT: "Not Available"; PolyPhen-2: "Benign"; Align-GVGD: "Not Available"). In summary, the available evidence is currently insufficient to determine the role of this variant in disease. Therefore, it has been classified as a Variant of Uncertain Significance.

NM_001358530.2(MOCS1):c.1546C>T (p.Pro516Ser)

Gene: MOCS1 (molybdenum cofactor synthesis 1; minus strand). Cytogenetic location: 6p21.2.
Variant type: single nucleotide variant.
Coding change: c.1546C>T on transcript NM_001358530.2 (MANE Select); coding-DNA position 1546, C replaced by T.
Protein change: p.Pro516Ser; replaces proline 516 with serine.
Molecular consequence: missense variant. On other transcripts: 3 prime UTR variant (4), non-coding transcript variant (1).
Genome position (GRCh38, 1-based): chr6:39,906,722, G>A on the plus strand (C>T on the coding strand, the complement: MOCS1 is on the minus strand). VCF-style: chr6-39906722-G-A. GRCh37 (hg19) VCF-style: chr6-39874498-G-A.
Other names: c.*403C>T (NM_001075098.4, NM_001358533.2, NM_001358534.2 and 1 more transcripts); c.1498C>T, p.Pro500Ser (NM_001358529.2); c.1285C>T, p.Pro429Ser (NM_001358531.2); short protein forms P429S, P500S, P516S.
Identifiers: ClinVar variation 1972919 (VCV001972919.2), dbSNP rs777618260, ClinGen allele CA3795929.